The following is an entry in ClinVar:

ClinVar aggregate classification (germline): Uncertain significance (1 of 4 stars; one submission).

Submission:

Labcorp Genetics (formerly Invitae), Labcorp
Classification: Uncertain significance. Last evaluated: 2022-08-20. Review status: criteria provided, single submitter. Criteria: Invitae Variant Classification Sherloc (09022015). Collection method: clinical testing. Allele origin: germline.
Comment: Algorithms developed to predict the effect of missense changes on protein structure and function are either unavailable or do not agree on the potential impact of this missense change (SIFT: "Tolerated"; PolyPhen-2: "Not Available"; Align-GVGD: "Class C0"). This sequence change replaces asparagine, which is neutral and polar, with aspartic acid, which is acidic and polar, at codon 1146 of the COL11A1 protein (p.Asn1146Asp). This variant is not present in population databases (gnomAD no frequency). This variant has not been reported in the literature in individuals affected with COL11A1-related conditions. In summary, the available evidence is currently insufficient to determine the role of this variant in disease. Therefore, it has been classified as a Variant of Uncertain Significance.

NM_001854.4(COL11A1):c.3436A>G (p.Asn1146Asp)

Gene: COL11A1 (collagen type XI alpha 1 chain; minus strand). Cytogenetic location: 1p21.1.
Variant type: single nucleotide variant.
Coding change: c.3436A>G on transcript NM_001854.4 (MANE Select); coding-DNA position 3436, A replaced by G.
Protein change: p.Asn1146Asp; replaces asparagine 1146 with aspartic acid.
Molecular consequence: missense variant. On other transcripts: non-coding transcript variant (1).
Genome position (GRCh38, 1-based): chr1:102,939,037, T>C on the plus strand (A>G on the coding strand, the complement: COL11A1 is on the minus strand). VCF-style: chr1-102939037-T-C. GRCh37 (hg19) VCF-style: chr1-103404593-T-C.
Other names: c.3088A>G, p.Asn1030Asp (NM_001168249.1, NM_080630.4); c.3319A>G, p.Asn1107Asp (NM_001190709.2); c.3472A>G, p.Asn1158Asp (NM_080629.3); short protein forms N1030D, N1107D, N1146D, N1158D.
Identifiers: ClinVar variation 1717085 (VCV001717085.5), dbSNP rs2524725488, ClinGen allele CA341169084.
Genomic context (GRCh38, chr1:102,939,037, plus strand): 5'-TAAACAGTAAAAGTTGTTAAATAAATAATGTTCTCTCAGTAAGAAGTAGGAAACTCACAT[T>C]TTCTCCCTTGTCACCCTTGCTGCCTTTTTGTCCCGGCTCACCAATTTCACCCTGAAATTG-3'
Protein context (NP_001845.3, residues 1136-1156): QKGSKGDKGE[Asn1146Asp]GPPGPPGLQG